The following is an entry in ClinVar:

ClinVar aggregate classification (germline): Uncertain significance (1 of 4 stars; one submission).

Conditions:
Developmental and epileptic encephalopathy, 12 (DEE12). Identifiers: MedGen C3150988, MONDO:0013389, OMIM 613722.

Submission:

Labcorp Genetics (formerly Invitae), Labcorp
Classification: Uncertain significance for Developmental and epileptic encephalopathy, 12. Last evaluated: 2022-08-15. Review status: criteria provided, single submitter. Criteria: Invitae Variant Classification Sherloc (09022015). Collection method: clinical testing. Allele origin: germline.
Comment: This variant results in a copy number gain of the genomic region encompassing exon(s) 1-3 of the PLCB1 gene. This region includes the initiator codon of the gene. This copy number gain extends beyond the assayed region for this gene and therefore may encompass additional genes. As the precise location of this event is unknown, it may be in tandem or it may be located elsewhere in the genome. This variant has not been reported in the literature in individuals affected with PLCB1-related conditions. In summary, the available evidence is currently insufficient to determine the role of this variant in disease. Therefore, it has been classified as a Variant of Uncertain Significance.

NC_000020.10:g.(?_8113299)_(8352117_?)dup

Gene: PLCB1 (phospholipase C beta 1; plus strand). Cytogenetic location: 20p12.3.
Variant type: Duplication.
Identifiers: ClinVar variation 2426095 (VCV002426095.5).